The following is an entry in ClinVar:

NM_001122630.2(CDKN1C):c.*5+1G>A

Gene: CDKN1C (cyclin dependent kinase inhibitor 1C; minus strand). Cytogenetic location: 11p15.4.
Variant type: single nucleotide variant.
Coding change: c.*5+1G>A on transcript NM_001122630.2 (MANE Select); the canonical splice donor site of the intron after 5 bases downstream of the stop codon, G replaced by A.
Molecular consequence: splice donor variant.
Genome position (GRCh38, 1-based): chr11:2,883,998, C>T on the plus strand (G>A on the coding strand, the complement: CDKN1C is on the minus strand). VCF-style: chr11-2883998-C-T. GRCh37 (hg19) VCF-style: chr11-2905228-C-T.
Other names: c.391+1G>A (NM_001362475.2); c.*5+1G>A (NM_001122631.2, NM_001362474.2, NM_000076.2).
Identifiers: ClinVar variation 2582596 (VCV002582596.2), dbSNP rs2494379304, ClinGen allele CA379144624.

ClinVar aggregate classification (germline): Conflicting classifications of pathogenicity. Review status: criteria provided, conflicting classifications (1 of 4 stars). 3 submissions from 2 submitters: Likely pathogenic (1); Uncertain significance (2). Last evaluated 2025-02-18.

Conditions:
Beckwith-Wiedemann syndrome (BWS). Also called: EMG SYNDROME; Exomphalos macroglossia gigantism syndrome. Identifiers: Orphanet 116, MedGen C0004903, MONDO:0007534, OMIM 130650.
IMAGe syndrome. Also called: Intrauterine Growth Restriction, Metaphyseal Dysplasia, Adrenal Hypoplasia Congenita, and Genital Anomalies; Intrauterine growth retardation, metaphyseal dysplasia, adrenal hypoplasia congenita, and genital anomalies. Identifiers: Orphanet 85173, MedGen C1846009, MONDO:0013873, OMIM 614732.

Submissions (3):

GeneDx
Classification: Likely pathogenic. Last evaluated: 2025-02-18. Review status: criteria provided, single submitter. Criteria: GeneDx Variant Classification Process June 2021. Collection method: clinical testing. Allele origin: germline. Affected: yes.
Comment: Canonical splice site variant predicted to result in a null allele in a gene for which loss of function is a known mechanism of disease; Not observed at significant frequency in large population cohorts (gnomAD); Has not been previously published as pathogenic or benign to our knowledge

Baylor Genetics
Classification: Uncertain significance for IMAGe syndrome. Last evaluated: 2023-02-27. Review status: criteria provided, single submitter. Criteria: ACMG Guidelines, 2015. Collection method: clinical testing. Allele origin: unknown.

Baylor Genetics
Classification: Uncertain significance for Beckwith-Wiedemann syndrome. Last evaluated: 2023-02-27. Review status: criteria provided, single submitter. Criteria: ACMG Guidelines, 2015. Collection method: clinical testing. Allele origin: unknown.